The following is an entry in ClinVar:

NM_001370298.3(FGD4):c.2141G>A (p.Arg714Gln)

Gene: FGD4 (FYVE, RhoGEF and PH domain containing 4; plus strand). Cytogenetic location: 12p11.21.
Variant type: single nucleotide variant.
Coding change: c.2141G>A on transcript NM_001370298.3 (MANE Select); coding-DNA position 2141, G replaced by A.
Protein change: p.Arg714Gln; replaces arginine 714 with glutamine.
Molecular consequence: missense variant.
Genome position (GRCh38, 1-based): chr12:32,625,748, G>A. VCF-style: chr12-32625748-G-A. GRCh37 (hg19) VCF-style: chr12-32778682-G-A.
Other names: c.1985G>A, p.Arg662Gln (NM_001304481.2); c.986G>A, p.Arg329Gln (NM_001304483.2); c.698G>A, p.Arg233Gln (NM_001304484.2); c.1451G>A, p.Arg484Gln (NM_001330373.2, NM_001330374.2, NM_001384130.1); c.1178G>A, p.Arg393Gln (NM_001370297.1); c.2141G>A, p.Arg714Gln (NM_001384126.1); c.1730G>A, p.Arg577Gln (NM_001384127.1, NM_001384128.1, NM_001385118.1 and 1 more transcripts); short protein forms R233Q, R577Q, R393Q, R329Q, R484Q, R662Q, R714Q.
Identifiers: ClinVar variation 872105 (VCV000872105.45), dbSNP rs372890690, ClinGen allele CA235236266.

ClinVar aggregate classification (germline): Conflicting classifications of pathogenicity. Review status: criteria provided, conflicting classifications (1 of 4 stars). 2 submissions from 2 submitters: Pathogenic (1); Uncertain significance (1). Last evaluated 2021-08-31.

Conditions:
Charcot-Marie-Tooth disease type 4. Also called: Charcot-Marie-Tooth disease, type IV; Charcot-Marie-Tooth, Type 4. Identifiers: Orphanet 64749, MedGen C4082197, MONDO:0018995.

Allele frequency attached by ClinVar (database versions not stated): TOPMed below 0.00001; gnomAD exomes 0.00001; ESP Exome Variant Server 0.00008.
gnomAD v4.1: 10 of 1,613,922 alleles (0.00062%); highest among the groups gnomAD compares: South Asian, 0.0011%; no homozygotes.

Submissions (2):

Labcorp Genetics (formerly Invitae), Labcorp
Classification: Uncertain significance for Charcot-Marie-Tooth disease type 4. Last evaluated: 2021-08-31. Review status: criteria provided, single submitter. Criteria: Invitae Variant Classification Sherloc (09022015). Collection method: clinical testing. Allele origin: germline.
Comment: In summary, the available evidence is currently insufficient to determine the role of this variant in disease. Therefore, it has been classified as a Variant of Uncertain Significance. Algorithms developed to predict the effect of missense changes on protein structure and function are either unavailable or do not agree on the potential impact of this missense change (SIFT: "Tolerated"; PolyPhen-2: "Probably Damaging"; Align-GVGD: "Class C0"). This missense change has been observed in individual(s) with Charcot-Marie-Tooth disease (PMID: 26957070). This variant is not present in population databases (ExAC no frequency). This sequence change replaces arginine with glutamine at codon 577 of the FGD4 protein (p.Arg577Gln). The arginine residue is highly conserved and there is a small physicochemical difference between arginine and glutamine.

CeGaT Center for Human Genetics Tuebingen
Classification: Pathogenic. Last evaluated: 2018-07-01. Review status: criteria provided, single submitter. Criteria: CeGaT Center For Human Genetics Tuebingen Variant Classification Criteria Version 2. Collection method: clinical testing. Allele origin: germline. Affected: yes. Observed: 1 variant allele.

Literature cited by the submitters: PubMed 26957070 (cited by Labcorp Genetics (formerly Invitae), Labcorp).